The following is an entry in ClinVar:

NM_003356.4(UCP3):c.260G>A (p.Arg87His)

Gene: UCP3 (uncoupling protein 3; minus strand). Cytogenetic location: 11q13.4.
Variant type: single nucleotide variant.
Coding change: c.260G>A on transcript NM_003356.4 (MANE Select); coding-DNA position 260, G replaced by A.
Protein change: p.Arg87His; replaces arginine 87 with histidine.
Molecular consequence: missense variant.
Genome position (GRCh38, 1-based): chr11:74,006,246, C>T on the plus strand (G>A on the coding strand, the complement: UCP3 is on the minus strand). VCF-style: chr11-74006246-C-T. GRCh37 (hg19) VCF-style: chr11-73717291-C-T.
Other names: c.260G>A, p.Arg87His (NM_022803.3); short protein forms R87H.
Identifiers: ClinVar variation 3606928 (VCV003606928.2).

ClinVar aggregate classification (germline): Uncertain significance (1 of 4 stars; one submission).

gnomAD v4.1: 19 of 1,613,840 alleles (0.0012%); highest among the groups gnomAD compares: East Asian, 0.0089%; no homozygotes.

Submission:

Labcorp Genetics (formerly Invitae), Labcorp
Classification: Uncertain significance. Last evaluated: 2024-04-29. Review status: criteria provided, single submitter. Criteria: Invitae Variant Classification Sherloc (09022015). Collection method: clinical testing. Allele origin: germline.
Comment: This sequence change replaces arginine, which is basic and polar, with histidine, which is basic and polar, at codon 87 of the UCP3 protein (p.Arg87His). This variant is present in population databases (no rsID available, gnomAD 0.007%). This variant has not been reported in the literature in individuals affected with UCP3-related conditions. Advanced modeling of protein sequence and biophysical properties (such as structural, functional, and spatial information, amino acid conservation, physicochemical variation, residue mobility, and thermodynamic stability) performed at Invitae indicates that this missense variant is expected to disrupt UCP3 protein function with a positive predictive value of 80%. In summary, the available evidence is currently insufficient to determine the role of this variant in disease. Therefore, it has been classified as a Variant of Uncertain Significance.